The following is an entry in ClinVar:

NM_004006.3(DMD):c.2126A>T (p.Gln709Leu)

Gene: DMD (dystrophin; minus strand). Cytogenetic location: Xp21.1.
Variant type: single nucleotide variant.
Coding change: c.2126A>T on transcript NM_004006.3 (MANE Select); coding-DNA position 2126, A replaced by T.
Protein change: p.Gln709Leu; replaces glutamine 709 with leucine.
Molecular consequence: missense variant.
Genome position (GRCh38, 1-based): chrX:32,545,201, T>A on the plus strand (A>T on the coding strand, the complement: DMD is on the minus strand). VCF-style: chrX-32545201-T-A. GRCh37 (hg19) VCF-style: chrX-32563318-T-A.
Other names: c.2102A>T, p.Gln701Leu (NM_000109.4); c.2114A>T, p.Gln705Leu (NM_004009.3); c.1757A>T, p.Gln586Leu (NM_004010.3); short protein forms Q709L, Q701L, Q705L, Q586L.
Identifiers: ClinVar variation 455876 (VCV000455876.10), dbSNP rs370459675, ClinGen allele CA412667743.
Genomic context (GRCh38, chrX:32,545,201, plus strand): 5'-AGCTTAAGATGCTCTCACCTTTTCCTAATTTCAGAATCCACAGTAATCTGCCTCTTCTTT[T>A]GGGGAGGTGGTGGTGGAAGTTCCTCTTGAGCATGCTTTACCAGGATCTGTTCCCTTGTGG-3'
Protein context (NP_003997.2, residues 699-719): AQEELPPPPP[Gln709Leu]KKRQITVDSE

ClinVar aggregate classification (germline): Uncertain significance. Review status: criteria provided, single submitter (1 of 4 stars). 2 submissions from 2 submitters: Uncertain significance (1). 1 of the submissions does not count toward it. Last evaluated 2017-05-27.

Conditions:
Becker muscular dystrophy (BMD). Also called: MUSCULAR DYSTROPHY, PSEUDOHYPERTROPHIC PROGRESSIVE, BECKER TYPE; Becker Muscular Dystrophy (BMD). Identifiers: Orphanet 98895, MedGen C0917713, MONDO:0010311, OMIM 300376.
Cardiomyopathy (CMYO). Also called: Cardiomyopathies. Identifiers: Orphanet 167848, MedGen C0878544, MONDO:0004994, HP:0001638. Inheritance: Various modes of inheritance.
Duchenne muscular dystrophy (DMD). Also called: MUSCULAR DYSTROPHY, PSEUDOHYPERTROPHIC PROGRESSIVE, DUCHENNE TYPE; Duchenne Muscular Dystrophy (DMD). Identifiers: Orphanet 98896, MedGen C0013264, MONDO:0010679, OMIM 310200.
Dystrophin deficiency.

Submissions (2):

Labcorp Genetics (formerly Invitae), Labcorp
Classification: Uncertain significance for Duchenne muscular dystrophy. Last evaluated: 2017-05-27. Review status: criteria provided, single submitter. Criteria: Invitae Variant Classification Sherloc (09022015). Collection method: clinical testing. Allele origin: germline.
Comment: In summary, this variant has uncertain impact on DMD function. The available evidence is currently insufficient to determine its role in disease. Therefore, it has been classified as a Variant of Uncertain Significance. Algorithms developed to predict the effect of missense changes on protein structure and function do not agree on the potential impact of this missense change (SIFT: "Tolerated"; PolyPhen-2: "Possibly Damaging"; Align-GVGD: "Class C0"). This variant has not been reported in the literature in individuals with a DMD-related disease. This variant is not present in population databases (ExAC no frequency). This sequence change replaces glutamine with leucine at codon 709 of the DMD protein (p.Gln709Leu). The glutamine residue is moderately conserved and there is a moderate physicochemical difference between glutamine and leucine.

Natera, Inc.
Classification: Uncertain significance for Becker muscular dystrophy; Cardiomyopathy; Duchenne muscular dystrophy; Dystrophin deficiency. Last evaluated: 2020-04-11. Review status: no assertion criteria provided. Collection method: clinical testing. Allele origin: germline. Not counted in ClinVar's aggregate classification.